The following is an entry in ClinVar:

ClinVar aggregate classification (germline): Uncertain significance (1 of 4 stars; one submission).

Conditions:
ATP6V1A-related disorder. Also called: ATP6V1A-related condition.

Submission:

PreventionGenetics, part of Exact Sciences
Classification: Uncertain significance for ATP6V1A-related condition. Last evaluated: 2025-10-10. Review status: criteria provided, single submitter. Criteria: ACMG Guidelines, 2015. Collection method: clinical testing. Allele origin: germline.
Comment: The ATP6V1A c.559dupA variant is predicted to result in a frameshift and premature protein termination (p.Thr187Asnfs*3). To our knowledge, this variant has not been reported in the literature or in a large population database (gnomAD), indicating this variant is rare. Loss of function is not an established mechanism of ATP6V1A-related disease. At this time, the clinical significance of this variant is uncertain due to the absence of conclusive functional and genetic evidence.

NM_001690.4(ATP6V1A):c.559dup (p.Thr187fs)

Gene: ATP6V1A (ATPase H+ transporting V1 subunit A; plus strand). Cytogenetic location: 3q13.31.
Variant type: Duplication.
Coding change: c.559dup on transcript NM_001690.4 (MANE Select); coding-DNA position 559, one base duplicated (A; older notation c.559dupA).
Protein change: p.Thr187fs; shifts the reading frame from threonine 187.
Molecular consequence: frameshift variant.
Genome position (GRCh38, 1-based): chr3:113,784,828, A duplicated. VCF-style (leftmost placement, unchanged base first): chr3-113784827-T-TA. GRCh37 (hg19) VCF-style: chr3-113503674-T-TA.
Other names: short protein forms T187fs.
Identifiers: ClinVar variation 4993595 (VCV004993595.1).